The following is an entry in ClinVar:

NM_020778.5(ALPK3):c.1126C>G (p.Arg376Gly)

Gene: ALPK3 (alpha kinase 3; plus strand). Cytogenetic location: 15q25.3.
Variant type: single nucleotide variant.
Coding change: c.1126C>G on transcript NM_020778.5 (MANE Select); coding-DNA position 1126, C replaced by G.
Protein change: p.Arg376Gly; replaces arginine 376 with glycine.
Molecular consequence: missense variant.
Genome position (GRCh38, 1-based): chr15:84,840,405, C>G. VCF-style: chr15-84840405-C-G. GRCh37 (hg19) VCF-style: chr15-85383636-C-G.
Other names: short protein forms R376G.
Identifiers: ClinVar variation 3291307 (VCV003291307.3).

ClinVar aggregate classification (germline): Uncertain significance. Review status: criteria provided, multiple submitters, no conflicts (2 of 4 stars). 2 submissions from 2 submitters: Uncertain significance (2). Last evaluated 2025-05-01.

Conditions:
Cardiovascular phenotype. Identifiers: MedGen CN230736.

Submissions (2):

Labcorp Genetics (formerly Invitae), Labcorp
Classification: Uncertain significance. Last evaluated: 2025-05-01. Review status: criteria provided, single submitter. Criteria: Invitae Variant Classification Sherloc (09022015). Collection method: clinical testing. Allele origin: germline.
Comment: This sequence change replaces arginine, which is basic and polar, with glycine, which is neutral and non-polar, at codon 578 of the ALPK3 protein (p.Arg578Gly). This variant is not present in population databases (gnomAD no frequency). This variant has not been reported in the literature in individuals affected with ALPK3-related conditions. ClinVar contains an entry for this variant (Variation ID: 3291307). An algorithm developed to predict the effect of missense changes on protein structure and function (PolyPhen-2) suggests that this variant is likely to be tolerated. In summary, the available evidence is currently insufficient to determine the role of this variant in disease. Therefore, it has been classified as a Variant of Uncertain Significance.

Ambry Genetics
Classification: Uncertain significance for Cardiovascular phenotype. Last evaluated: 2024-03-27. Review status: criteria provided, single submitter. Criteria: Ambry Variant Classification Scheme 2023. Collection method: clinical testing. Allele origin: germline.
Comment: The p.R578G variant (also known as c.1732C>G), located in coding exon 5 of the ALPK3 gene, results from a C to G substitution at nucleotide position 1732. The arginine at codon 578 is replaced by glycine, an amino acid with dissimilar properties. This amino acid position is conserved. In addition, this alteration is predicted to be tolerated by in silico analysis. Based on the available evidence, the clinical significance of this alteration remains unclear.